The following is an entry in ClinVar:

ClinVar aggregate classification (germline): Uncertain significance (1 of 4 stars; one submission).

Conditions:
Bloom syndrome (BLM). Also called: Bloom-Torre-Machacek syndrome. Identifiers: Orphanet 125, MedGen C0005859, MONDO:0008876, OMIM 210900.

Submission:

Labcorp Genetics (formerly Invitae), Labcorp
Classification: Uncertain significance for Bloom syndrome. Last evaluated: 2023-11-24. Review status: criteria provided, single submitter. Criteria: Invitae Variant Classification Sherloc (09022015). Collection method: clinical testing. Allele origin: germline.
Comment: This sequence change replaces glutamine, which is neutral and polar, with histidine, which is basic and polar, at codon 672 of the BLM protein (p.Gln672His). This variant is not present in population databases (gnomAD no frequency). This variant has not been reported in the literature in individuals affected with BLM-related conditions. ClinVar contains an entry for this variant (Variation ID: 1931757). Advanced modeling of protein sequence and biophysical properties (such as structural, functional, and spatial information, amino acid conservation, physicochemical variation, residue mobility, and thermodynamic stability) performed at Invitae indicates that this missense variant is expected to disrupt BLM protein function with a positive predictive value of 80%. This variant disrupts the p.Gln672 amino acid residue in BLM. Other variant(s) that disrupt this residue have been determined to be pathogenic (PMID: 10069810, 10812332, 12444098, 17407155, 17878217, 22582397, 31253795). This suggests that this residue is clinically significant, and that variants that disrupt this residue are likely to be disease-causing. In summary, the available evidence is currently insufficient to determine the role of this variant in disease. Therefore, it has been classified as a Variant of Uncertain Significance.

Literature cited by the submitters: PubMed 10069810; PubMed 10812332; PubMed 12444098; PubMed 17407155; PubMed 17878217; PubMed 22582397; PubMed 31253795.

NM_000057.4(BLM):c.2016G>C (p.Gln672His)

Gene: BLM (BLM RecQ like helicase; plus strand). Cytogenetic location: 15q26.1.
Variant type: single nucleotide variant.
Coding change: c.2016G>C on transcript NM_000057.4 (MANE Select); coding-DNA position 2016, G replaced by C.
Protein change: p.Gln672His; replaces glutamine 672 with histidine.
Molecular consequence: missense variant.
Genome position (GRCh38, 1-based): chr15:90,763,099, G>C. VCF-style: chr15-90763099-G-C. GRCh37 (hg19) VCF-style: chr15-91306329-G-C.
Other names: c.2016G>C, p.Gln672His (NM_001287246.2, NM_001287247.2); c.891G>C, p.Gln297His (NM_001287248.2); short protein forms Q297H, Q672H.
Identifiers: ClinVar variation 1931757 (VCV001931757.5), dbSNP rs986590937, ClinGen allele CA393844367.